The following is an entry in ClinVar:

ClinVar aggregate classification (germline): Uncertain significance (1 of 4 stars; one submission).

Submission:

Ambry Genetics
Classification: Uncertain significance. Last evaluated: 2026-08-24. Review status: criteria provided, single submitter. Criteria: Ambry Variant Classification Scheme 2023. Collection method: clinical testing. Allele origin: germline.
Comment: The p.E427Q variant (also known as c.1279G>C), located in coding exon 12 of the GEN1 gene, results from a G to C substitution at nucleotide position 1279. The glutamic acid at codon 427 is replaced by glutamine, an amino acid with highly similar properties. This amino acid position is conserved. In addition, this alteration is predicted to be tolerated by in silico analysis. Based on the available evidence, the clinical significance of this variant remains unclear.

NM_001130009.3(GEN1):c.1279G>C (p.Glu427Gln)

Gene: GEN1 (GEN1 structure-specific endonuclease; plus strand). Cytogenetic location: 2p24.2.
Variant type: single nucleotide variant.
Coding change: c.1279G>C on transcript NM_001130009.3 (MANE Select); coding-DNA position 1279, G replaced by C.
Protein change: p.Glu427Gln; replaces glutamic acid 427 with glutamine.
Molecular consequence: missense variant.
Genome position (GRCh38, 1-based): chr2:17,779,992, G>C. VCF-style: chr2-17779992-G-C. GRCh37 (hg19) VCF-style: chr2-17961259-G-C.
Other names: c.1279G>C, p.Glu427Gln (NM_182625.5); short protein forms E427Q.
Identifiers: ClinVar variation 5022341 (VCV005022341.1).